The following is an entry in ClinVar:

NM_001365999.1(SZT2):c.10213C>A (p.Pro3405Thr)

Gene: SZT2 (SZT2 subunit of KICSTOR complex; plus strand). Cytogenetic location: 1p34.2.
Variant type: single nucleotide variant.
Coding change: c.10213C>A on transcript NM_001365999.1 (MANE Select); coding-DNA position 10213, C replaced by A.
Protein change: p.Pro3405Thr; replaces proline 3405 with threonine.
Molecular consequence: missense variant.
Genome position (GRCh38, 1-based): chr1:43,450,394, C>A. VCF-style: chr1-43450394-C-A. GRCh37 (hg19) VCF-style: chr1-43916065-C-A.
Other names: c.10042C>A, p.Pro3348Thr (NM_015284.4); short protein forms P3405T, P3348T.
Identifiers: ClinVar variation 970041 (VCV000970041.9), dbSNP rs1249229242, ClinGen allele CA339975033.

ClinVar aggregate classification (germline): Uncertain significance (1 of 4 stars; one submission).

Allele frequency attached by ClinVar (database versions not stated): gnomAD exomes 0.00001.
gnomAD v4.1: 15 of 1,614,116 alleles (0.00093%); highest among the groups gnomAD compares: Non-Finnish European, 0.0013%; no homozygotes.

Submission:

Labcorp Genetics (formerly Invitae), Labcorp
Classification: Uncertain significance. Last evaluated: 2024-10-23. Review status: criteria provided, single submitter. Criteria: Invitae Variant Classification Sherloc (09022015). Collection method: clinical testing. Allele origin: germline.
Comment: This sequence change replaces proline, which is neutral and non-polar, with threonine, which is neutral and polar, at codon 3348 of the SZT2 protein (p.Pro3348Thr). This variant is not present in population databases (gnomAD no frequency). This variant has not been reported in the literature in individuals affected with SZT2-related conditions. ClinVar contains an entry for this variant (Variation ID: 970041). Invitae Evidence Modeling of protein sequence and biophysical properties (such as structural, functional, and spatial information, amino acid conservation, physicochemical variation, residue mobility, and thermodynamic stability) indicates that this missense variant is expected to disrupt SZT2 protein function with a positive predictive value of 80%. In summary, the available evidence is currently insufficient to determine the role of this variant in disease. Therefore, it has been classified as a Variant of Uncertain Significance.